The following is an entry in ClinVar:

ClinVar aggregate classification (germline): Uncertain significance (0 of 4 stars; one submission).

Conditions:
PDE11A-related disorder. Also called: PDE11A-related condition.

gnomAD v4.1: 38 of 1,513,452 alleles (0.0025%); highest among the groups gnomAD compares: Admixed American, 0.06%; no homozygotes.

Submission:

PreventionGenetics, part of Exact Sciences
Classification: Uncertain significance for PDE11A-related condition. Last evaluated: 2024-06-24. Review status: no assertion criteria provided. Collection method: clinical testing. Allele origin: germline.
Comment: The PDE11A c.2340C>G variant is predicted to result in premature protein termination (p.Tyr780*). To our knowledge, this variant has not been reported in the literature. This variant is reported in 0.084% of alleles in individuals of Latino descent in gnomAD. Although we suspect that this variant may be pathogenic, at this time, the clinical significance of this variant is uncertain due to the absence of conclusive functional and genetic evidence.

NM_016953.4(PDE11A):c.2340C>G (p.Tyr780Ter)

Genes: PDE11A (phosphodiesterase 11A; minus strand), PDE11A-AS1 (PDE11A antisense RNA 1; plus strand). Cytogenetic location: 2q31.2.
Variant type: single nucleotide variant.
Coding change: c.2340C>G on transcript NM_016953.4 (MANE Select); coding-DNA position 2340, C replaced by G.
Protein change: p.Tyr780Ter; replaces tyrosine 780 with a stop codon.
Molecular consequence: nonsense.
Genome position (GRCh38, 1-based): chr2:177,697,337, G>C on the plus strand (C>G on the coding strand, the complement: PDE11A is on the minus strand). VCF-style: chr2-177697337-G-C. GRCh37 (hg19) VCF-style: chr2-178562065-G-C.
Other names: c.1008C>G, p.Tyr336Ter (NM_001077196.2); c.1590C>G, p.Tyr530Ter (NM_001077197.2); c.1266C>G, p.Tyr422Ter (NM_001077358.2); short protein forms Y422*, Y530*, Y336*, Y780*.
Identifiers: ClinVar variation 3350294 (VCV003350294.1), dbSNP rs753787322.